The following is an entry in ClinVar:

NM_001377.3(DYNC2H1):c.1360+2T>G

Gene: DYNC2H1 (dynein cytoplasmic 2 heavy chain 1; plus strand). Cytogenetic location: 11q22.3.
Variant type: single nucleotide variant.
Coding change: c.1360+2T>G on transcript NM_001377.3 (MANE Select); the canonical splice donor site of the intron after coding-DNA position 1360, T replaced by G.
Molecular consequence: splice donor variant.
Genome position (GRCh38, 1-based): chr11:103,121,038, T>G. VCF-style: chr11-103121038-T-G. GRCh37 (hg19) VCF-style: chr11-102991767-T-G.
Other names: c.1360+2T>G (NM_001080463.2).
Identifiers: ClinVar variation 2839442 (VCV002839442.3), dbSNP rs2496823635, ClinGen allele CA382251630.

ClinVar aggregate classification (germline): Likely pathogenic (1 of 4 stars; one submission).

Conditions:
Jeune thoracic dystrophy. Also called: Short-rib thoracic dysplasia; Jeune syndrome; Infantile thoracic dystrophy; Thoracic pelvic phalangeal dystrophy; Jeune's syndrome; Chondroectodermal dysplasia-like syndrome. Identifiers: Orphanet 474, MedGen C0265275, MONDO:0018770.

Submission:

Labcorp Genetics (formerly Invitae), Labcorp
Classification: Likely pathogenic for Jeune thoracic dystrophy. Last evaluated: 2023-02-21. Review status: criteria provided, single submitter. Criteria: Invitae Variant Classification Sherloc (09022015). Collection method: clinical testing. Allele origin: germline.
Comment: Algorithms developed to predict the effect of sequence changes on RNA splicing suggest that this variant may disrupt the consensus splice site. In summary, the currently available evidence indicates that the variant is pathogenic, but additional data are needed to prove that conclusively. Therefore, this variant has been classified as Likely Pathogenic. This variant has not been reported in the literature in individuals affected with DYNC2H1-related conditions. This variant is not present in population databases (gnomAD no frequency). This sequence change affects a donor splice site in intron 9 of the DYNC2H1 gene. It is expected to disrupt RNA splicing. Variants that disrupt the donor or acceptor splice site typically lead to a loss of protein function (PMID: 16199547), and loss-of-function variants in DYNC2H1 are known to be pathogenic (PMID: 23339108, 32753734).

Literature cited by the submitters: PubMed 16199547; PubMed 23339108; PubMed 32753734.